The following is an entry in ClinVar:

NM_000256.3(MYBPC3):c.2635G>C (p.Glu879Gln)

Gene: MYBPC3 (myosin binding protein C3; minus strand). Cytogenetic location: 11p11.2.
Variant type: single nucleotide variant.
Coding change: c.2635G>C on transcript NM_000256.3 (MANE Select); coding-DNA position 2635, G replaced by C.
Protein change: p.Glu879Gln; replaces glutamic acid 879 with glutamine.
Molecular consequence: missense variant.
Genome position (GRCh38, 1-based): chr11:47,335,979, C>G on the plus strand (G>C on the coding strand, the complement: MYBPC3 is on the minus strand). VCF-style: chr11-47335979-C-G. GRCh37 (hg19) VCF-style: chr11-47357530-C-G.
Other names: short protein forms E879Q.
Identifiers: ClinVar variation 2772208 (VCV002772208.3), dbSNP rs1565624607, ClinGen allele CA380317405.
Genomic context (GRCh38, chr11:47,335,979, plus strand): 5'-CTGCTCCCACGCGCTCTGGGGGCCGCCACTTGAGGGAGACCGTGGTGTCAGAGACGTCCT[C>G]TACTGCCAGGTGGGTGGGTTCGCTGGGGGGACCTGGGCAGAGGAGAGGTCAGAGAGGGGT-3'
Protein context (NP_000247.2, residues 869-889): PPSEPTHLAV[Glu879Gln]DVSDTTVSLK

ClinVar aggregate classification (germline): Uncertain significance (1 of 4 stars; one submission).

Conditions:
Hypertrophic cardiomyopathy. Also called: HYPERTROPHIC MYOCARDIOPATHY. Identifiers: Orphanet 217569, MedGen C0007194, MeSH D002312, MONDO:0005045, HP:0001639.

Submission:

Labcorp Genetics (formerly Invitae), Labcorp
Classification: Uncertain significance for Hypertrophic cardiomyopathy. Last evaluated: 2023-10-28. Review status: criteria provided, single submitter. Criteria: Invitae Variant Classification Sherloc (09022015). Collection method: clinical testing. Allele origin: germline.
Comment: This sequence change replaces glutamic acid, which is acidic and polar, with glutamine, which is neutral and polar, at codon 879 of the MYBPC3 protein (p.Glu879Gln). This variant is not present in population databases (gnomAD no frequency). This variant has not been reported in the literature in individuals affected with MYBPC3-related conditions. An algorithm developed to predict the effect of missense changes on protein structure and function (PolyPhen-2) suggests that this variant is likely to be disruptive. In summary, the available evidence is currently insufficient to determine the role of this variant in disease. Therefore, it has been classified as a Variant of Uncertain Significance.